The following is an entry in ClinVar:

ClinVar aggregate classification (germline): Conflicting classifications of pathogenicity. Review status: criteria provided, conflicting classifications (1 of 4 stars). 6 submissions from 5 submitters: Uncertain significance (3); Likely benign (3). Last evaluated 2025-11-05.

Conditions:
ABCA4-related disorder. Also called: ABCA4-related condition; ABCA4-related disorders. Identifiers: MedGen CN239167.
Inborn genetic diseases. Identifiers: MedGen C0950123, MeSH D030342.
Severe early-childhood-onset retinal dystrophy (STGD1). Also called: Stargardt macular dystrophy; Juvenile onset macular degeneration; Stargardt disease 1; STGD; MACULAR DYSTROPHY WITH FLECKS, TYPE 1. Identifiers: Orphanet 364055, Orphanet 827, MedGen C1855465, MeSH D000080362, MONDO:0009549, OMIM 248200.
Retinal dystrophy. Also called: Inherited retinal dystrophy. Identifiers: Orphanet 71862, MedGen C0854723, MeSH D058499, MONDO:0019118, HP:0000556.

Allele frequency attached by ClinVar (database versions not stated): TOPMed 0.00005; gnomAD 0.00008 and 0.00007; ExAC 0.00002; gnomAD exomes 0.00002.
gnomAD v4.1: 42 of 1,613,940 alleles (0.0026%); highest among the groups gnomAD compares: African/African-American, 0.0067%; no homozygotes.

Submissions (6):

PreventionGenetics, part of Exact Sciences
Classification: Likely benign for ABCA4-related condition. Last evaluated: 2025-11-05. Review status: criteria provided, single submitter. Criteria: ACMG Guidelines, 2015. Collection method: clinical testing. Allele origin: germline.
Comment: This variant is classified as likely benign based on ACMG/AMP sequence variant interpretation guidelines (Richards et al. 2015 PMID: 25741868, with internal and published modifications).

Ambry Genetics
Classification: Likely benign for Inborn genetic diseases. Last evaluated: 2024-04-30. Review status: criteria provided, single submitter. Criteria: Ambry Variant Classification Scheme 2023. Collection method: clinical testing. Allele origin: germline.

Labcorp Genetics (formerly Invitae), Labcorp
Classification: Uncertain significance. Last evaluated: 2022-07-03. Review status: criteria provided, single submitter. Criteria: Invitae Variant Classification Sherloc (09022015). Collection method: clinical testing. Allele origin: germline.
Comment: This sequence change affects codon 1826 of the ABCA4 mRNA. It is a 'silent' change, meaning that it does not change the encoded amino acid sequence of the ABCA4 protein. This variant is present in population databases (rs762632312, gnomAD 0.003%). This variant has been observed in individual(s) with Stargardt disease (PMID: 28118664). ClinVar contains an entry for this variant (Variation ID: 236132). Algorithms developed to predict the effect of sequence changes on RNA splicing suggest that this variant is not likely to affect RNA splicing. In summary, the available evidence is currently insufficient to determine the role of this variant in disease. Therefore, it has been classified as a Variant of Uncertain Significance.

Blueprint Genetics
Classification: Likely benign. Last evaluated: 2021-07-19. Review status: criteria provided, single submitter. Criteria: ACMG Guidelines, 2015. Collection method: clinical testing. Allele origin: germline.

Institute of Human Genetics, Univ. Regensburg, Univ. Regensburg
Classification: Uncertain significance for Severe early-childhood-onset retinal dystrophy. Last evaluated: 2016-01-01. Review status: criteria provided, single submitter. Criteria: Schulz et al. (Invest Ophthalmol Vis Sci. 2017). Collection method: clinical testing. Allele origin: germline. Affected: yes. Observed: 1 heterozygote.

Institute of Human Genetics, Univ. Regensburg, Univ. Regensburg
Classification: Uncertain significance for Retinal dystrophy. Last evaluated: 2015-01-01. Review status: criteria provided, single submitter. Criteria: ACMG Guidelines, 2015. Collection method: clinical testing. Allele origin: germline. Affected: yes.

Literature cited by the submitters: PubMed 28118664 (cited by Labcorp Genetics (formerly Invitae), Labcorp and Institute of Human Genetics, Univ. Regensburg, Univ. Regensburg).

NM_000350.3(ABCA4):c.5478C>T (p.Asn1826=)

Gene: ABCA4 (ATP binding cassette subfamily A member 4; minus strand). Cytogenetic location: 1p22.1.
Variant type: single nucleotide variant.
Coding change: c.5478C>T on transcript NM_000350.3 (MANE Select); coding-DNA position 5478, C replaced by T.
Protein change: p.Asn1826=; no amino-acid change (asparagine 1826 retained).
Molecular consequence: synonymous variant.
Genome position (GRCh38, 1-based): chr1:94,011,368, G>A on the plus strand (C>T on the coding strand, the complement: ABCA4 is on the minus strand). VCF-style: chr1-94011368-G-A. GRCh37 (hg19) VCF-style: chr1-94476924-G-A.
Other names: c.5256C>T, p.Asn1752= (NM_001425324.1).
Identifiers: ClinVar variation 236132 (VCV000236132.9), dbSNP rs762632312, ClinGen allele CA957241.